The following is an entry in ClinVar:

NM_213599.3(ANO5):c.2411G>C (p.Cys804Ser)

Gene: ANO5 (anoctamin 5; plus strand). Cytogenetic location: 11p14.3.
Variant type: single nucleotide variant.
Coding change: c.2411G>C on transcript NM_213599.3 (MANE Select); coding-DNA position 2411, G replaced by C.
Protein change: p.Cys804Ser; replaces cysteine 804 with serine.
Molecular consequence: missense variant.
Genome position (GRCh38, 1-based): chr11:22,274,744, G>C. VCF-style: chr11-22274744-G-C. GRCh37 (hg19) VCF-style: chr11-22296290-G-C.
Other names: c.2408G>C, p.Cys803Ser (NM_001142649.2); c.2411G>C (NM_213599.2); short protein forms C804S, C803S.
Identifiers: ClinVar variation 813964 (VCV000813964.12), dbSNP rs1233836740, ClinGen allele CA379924469.
Genomic context (GRCh38, chr11:22,274,744, plus strand): 5'-TCCTGATAGCTGATTTTCCAAACCACACTGCACCTTCGGAAAAACGAGACTTCATCACTT[G>C]CAGGTGATTTGTTTGTTTGTTTGTTTAGGTTTTAGTTTTATCCCTTAAGCGTATTTCTTA-3'
Protein context (NP_998764.1, residues 794-814): APSEKRDFIT[Cys804Ser]RYRDYRYPPD

ClinVar aggregate classification (germline): Pathogenic/Likely pathogenic. Review status: criteria provided, multiple submitters, no conflicts (2 of 4 stars). 4 submissions from 4 submitters: Pathogenic (2); Likely pathogenic (2). Last evaluated 2026-08-06.

Conditions:
Autosomal recessive limb-girdle muscular dystrophy type 2L (LGMDR12). Also called: MUSCULAR DYSTROPHY, LIMB-GIRDLE, AUTOSOMAL RECESSIVE 12; Limb-girdle muscular dystrophy, type 2L; Limb-Girdle Muscular Dystrophy R12 Anoctamin-5-Related (LGMD-R12). Identifiers: Orphanet 206549, MedGen C1969785, MONDO:0012652, OMIM 611307.
Gnathodiaphyseal dysplasia (GDD). Also called: OSTEOGENESIS IMPERFECTA WITH UNUSUAL SKELETAL LESIONS; GNATHODIAPHYSEAL SCLEROSIS. Identifiers: Orphanet 53697, MedGen C1833736, MONDO:0008151, OMIM 166260.

gnomAD v4.1: 6 of 1,613,066 alleles (0.00037%); highest among the groups gnomAD compares: Admixed American, 0.0017%; no homozygotes.

Submissions (4):

OLLIN Analises Genomicas, OLLIN
Classification: Pathogenic for Autosomal recessive limb-girdle muscular dystrophy type 2L. Last evaluated: 2026-08-06. Review status: criteria provided, single submitter. Criteria: ACMG Guidelines 2015 PMID 25741868. Collection method: clinical testing. Allele origin: germline. Inheritance: Autosomal dominant inheritance.
Comment: This missense variant, located in exon 20 (of 22), has been reported in ClinVar (accession VCV000813964.11), in gnomAD with an allele frequency of 0.00037%, and in the scientific literature, in compound heterozygosity, in individuals with ANO5 related disorders (PMID: 32528171, 25891276). In silico analysis predicts that this variant has a deleterious effect. According to the currently available evidence, this variant has been classified as pathogenic (PM3_VS, PM2_P, PP3, PP4).

Labcorp Genetics (formerly Invitae), Labcorp
Classification: Pathogenic for Autosomal recessive limb-girdle muscular dystrophy type 2L; Gnathodiaphyseal dysplasia. Last evaluated: 2025-07-07. Review status: criteria provided, single submitter. Criteria: Invitae Variant Classification Sherloc (09022015). Collection method: clinical testing. Allele origin: germline.
Comment: This sequence change replaces cysteine, which is neutral and slightly polar, with serine, which is neutral and polar, at codon 804 of the ANO5 protein (p.Cys804Ser). This variant is not present in population databases (gnomAD no frequency). This missense change has been observed in individual(s) with autosomal recessive limb-girdle muscular dystrophy (PMID: 25891276, 26436962, 32528171, 36913258; internal data). In at least one individual the data is consistent with being in trans (on the opposite chromosome) from a pathogenic variant. ClinVar contains an entry for this variant (Variation ID: 813964). Invitae Evidence Modeling of protein sequence and biophysical properties (such as structural, functional, and spatial information, amino acid conservation, physicochemical variation, residue mobility, and thermodynamic stability) indicates that this missense variant is expected to disrupt ANO5 protein function with a positive predictive value of 95%. For these reasons, this variant has been classified as Pathogenic.

Broad Center for Mendelian Genomics, Broad Institute of MIT and Harvard
Classification: Likely pathogenic for Autosomal recessive limb-girdle muscular dystrophy type 2L. Last evaluated: 2025-04-28. Review status: criteria provided, single submitter. Criteria: ACMG Guidelines, 2015. Collection method: research. Allele origin: germline. Inheritance: Autosomal recessive inheritance. Affected: yes.
Comment: The p.Cys804Ser variant in ANO5 was identified by our study, in the compound heterozygous state along with a pathogenic variant, in 2 siblings with autosomal recessive limb-girdle muscular dystrophy (PMID: 32528171). The phase of these variants is unknown at this time. This variant has also been reported in ClinVar/the literature in 2 individuals with limb-girdle muscular dystrophy, and has been identified in 0.002% (1/59978) of Admixed American chromosomes by the Genome Aggregation Database (gnomAD; dbSNP ID: rs1233836740). Although this variant has been seen in the general population in a heterozygous state, its frequency is low enough to be consistent with a recessive carrier frequency. This variant has been reported in ClinVar (Variation ID: 813964) and has been interpreted as likely pathogenic by Labcorp Genetics and Mayo Clinic Laboratories. Of the 3 affected individuals, all were compound heterozygotes that carried a reported pathogenic/likely pathogenic variant in trans or with unknown phase, which increases the likelihood that the p.Cys804Ser variant is pathogenic (Variation ID: 285942, 500532, 2164; PMID: 32528171, 25891276, personal communication). Computational prediction tools and conservation analyses suggest that this variant may impact the protein, though this information is not predictive enough to determine pathogenicity. In summary, although additional studies are required to fully establish its clinical significance, this variant is likely pathogenic for autosomal recessive limb-girdle muscular dystrophy. ACMG/AMP Criteria applied: PM3_strong, PP3, PM2_supporting, (Richards 2015).

Mayo Clinic Laboratories, Mayo Clinic
Classification: Likely pathogenic. Last evaluated: 2023-11-02. Review status: criteria provided, single submitter. Criteria: ACMG Guidelines, 2015. Collection method: clinical testing. Allele origin: germline. Observed: 1 variant allele.
Comment: PP3, PM2_moderate, PM3, PS4_moderate

Literature cited by the submitters: PubMed 32528171 (cited by 3 submitters); PubMed 25891276 (cited by 3 submitters); PubMed 26436962 (cited by Labcorp Genetics (formerly Invitae), Labcorp and Mayo Clinic Laboratories, Mayo Clinic); PubMed 36913258 (cited by Labcorp Genetics (formerly Invitae), Labcorp and Mayo Clinic Laboratories, Mayo Clinic); PubMed 35563815 (cited by Mayo Clinic Laboratories, Mayo Clinic).